The following is an entry in ClinVar:

NM_006267.5(RANBP2):c.1949C>G (p.Ala650Gly)

Gene: RANBP2 (RAN binding protein 2; plus strand). Cytogenetic location: 2q13.
Variant type: single nucleotide variant.
Coding change: c.1949C>G on transcript NM_006267.5 (MANE Select); coding-DNA position 1949, C replaced by G.
Protein change: p.Ala650Gly; replaces alanine 650 with glycine.
Molecular consequence: missense variant.
Genome position (GRCh38, 1-based): chr2:108,753,457, C>G. VCF-style: chr2-108753457-C-G. GRCh37 (hg19) VCF-style: chr2-109369913-C-G.
Other names: c.1949C>G, p.Ala650Gly (NM_001415871.1, NM_001415873.1); c.1946C>G, p.Ala649Gly (NM_001415872.1); short protein forms A650G, A649G.
Identifiers: ClinVar variation 4716013 (VCV004716013.1).

ClinVar aggregate classification (germline): Uncertain significance (1 of 4 stars; one submission).

Conditions:
Familial acute necrotizing encephalopathy (IIAE3). Also called: ENCEPHALOPATHY, ACUTE, INFECTION-INDUCED, SUSCEPTIBILITY TO, 3; Susceptibility to Acute Necrotizing Encephalopathy 1. Identifiers: Orphanet 88619, MedGen C2675556, MONDO:0011953, OMIM 608033.

Submission:

Labcorp Genetics (formerly Invitae), Labcorp
Classification: Uncertain significance for Familial acute necrotizing encephalopathy. Last evaluated: 2025-03-31. Review status: criteria provided, single submitter. Criteria: Invitae Variant Classification Sherloc (09022015). Collection method: clinical testing. Allele origin: germline.
Comment: This sequence change replaces alanine, which is neutral and non-polar, with glycine, which is neutral and non-polar, at codon 650 of the RANBP2 protein (p.Ala650Gly). This variant is not present in population databases (gnomAD no frequency). This variant has not been reported in the literature in individuals affected with RANBP2-related conditions. An algorithm developed to predict the effect of missense changes on protein structure and function (PolyPhen-2) suggests that this variant is likely to be tolerated. In summary, the available evidence is currently insufficient to determine the role of this variant in disease. Therefore, it has been classified as a Variant of Uncertain Significance.